The following is an entry in ClinVar:

ClinVar aggregate classification (germline): Uncertain significance (1 of 4 stars; one submission).

Allele frequency attached by ClinVar (database versions not stated): ESP Exome Variant Server 0.00008.
gnomAD v4.1: 3 of 1,610,676 alleles (0.00019%); highest among the groups gnomAD compares: Admixed American, 0.0034%; no homozygotes.

Submission:

Labcorp Genetics (formerly Invitae), Labcorp
Classification: Uncertain significance. Last evaluated: 2025-01-23. Review status: criteria provided, single submitter. Criteria: Invitae Variant Classification Sherloc (09022015). Collection method: clinical testing. Allele origin: germline.
Comment: This sequence change replaces serine, which is neutral and polar, with phenylalanine, which is neutral and non-polar, at codon 1776 of the TUBGCP6 protein (p.Ser1776Phe). This variant is present in population databases (rs374204240, gnomAD 0.007%). This variant has not been reported in the literature in individuals affected with TUBGCP6-related conditions. ClinVar contains an entry for this variant (Variation ID: 1375842). An algorithm developed to predict the effect of missense changes on protein structure and function (PolyPhen-2) suggests that this variant is likely to be disruptive. In summary, the available evidence is currently insufficient to determine the role of this variant in disease. Therefore, it has been classified as a Variant of Uncertain Significance.

NM_020461.4(TUBGCP6):c.5327C>T (p.Ser1776Phe)

Gene: TUBGCP6 (tubulin gamma complex component 6; minus strand). Cytogenetic location: 22q13.33.
Variant type: single nucleotide variant.
Coding change: c.5327C>T on transcript NM_020461.4 (MANE Select); coding-DNA position 5327, C replaced by T.
Protein change: p.Ser1776Phe; replaces serine 1776 with phenylalanine.
Molecular consequence: missense variant.
Genome position (GRCh38, 1-based): chr22:50,217,959, G>A on the plus strand (C>T on the coding strand, the complement: TUBGCP6 is on the minus strand). VCF-style: chr22-50217959-G-A. GRCh37 (hg19) VCF-style: chr22-50656388-G-A.
Other names: short protein forms S1776F.
Identifiers: ClinVar variation 1375842 (VCV001375842.6), dbSNP rs374204240, ClinGen allele CA10307074.